The following is an entry in ClinVar:

NM_001868.4(CPA1):c.1075C>G (p.Gln359Glu)

Gene: CPA1 (carboxypeptidase A1; plus strand). Cytogenetic location: 7q32.2.
Variant type: single nucleotide variant.
Coding change: c.1075C>G on transcript NM_001868.4 (MANE Select); coding-DNA position 1075, C replaced by G.
Protein change: p.Gln359Glu; replaces glutamine 359 with glutamic acid.
Molecular consequence: missense variant.
Genome position (GRCh38, 1-based): chr7:130,387,826, C>G. VCF-style: chr7-130387826-C-G. GRCh37 (hg19) VCF-style: chr7-130027667-C-G.
Other names: short protein forms Q359E.
Identifiers: ClinVar variation 4559632 (VCV004559632.1).

ClinVar aggregate classification (germline): Uncertain significance (1 of 4 stars; one submission).

Conditions:
Hereditary pancreatitis (PCTT). Also called: Hereditary chronic pancreatitis; PRSS1-Related Hereditary Pancreatitis. Identifiers: Orphanet 676, MedGen C0238339, MONDO:0008185, OMIM 167800.

Submission:

Ambry Genetics
Classification: Uncertain significance for Hereditary pancreatitis. Last evaluated: 2025-10-30. Review status: criteria provided, single submitter. Criteria: Ambry Variant Classification Scheme 2023. Collection method: clinical testing. Allele origin: germline.
Comment: The p.Q359E variant (also known as c.1075C>G), located in coding exon 10 of the CPA1 gene, results from a C to G substitution at nucleotide position 1075. The glutamine at codon 359 is replaced by glutamic acid, an amino acid with highly similar properties. This amino acid position is conserved. In addition, this alteration is predicted to be tolerated by in silico analysis. Based on the available evidence, the clinical significance of this variant remains unclear.